The following is an entry in ClinVar:

ClinVar aggregate classification (germline): Pathogenic. Review status: criteria provided, multiple submitters, no conflicts (2 of 4 stars). 2 submissions from 2 submitters: Pathogenic (2). Last evaluated 2024-03-30.

Conditions:
Retinitis pigmentosa 39 (RP39). Identifiers: Orphanet 791, MedGen C3151138, MONDO:0013436, OMIM 613809.

Submissions (2):

Baylor Genetics
Classification: Pathogenic for Retinitis pigmentosa 39. Last evaluated: 2024-03-30. Review status: criteria provided, single submitter. Criteria: ACMG Guidelines, 2015. Collection method: clinical testing. Allele origin: unknown.

Labcorp Genetics (formerly Invitae), Labcorp
Classification: Pathogenic. Last evaluated: 2023-08-05. Review status: criteria provided, single submitter. Criteria: Invitae Variant Classification Sherloc (09022015). Collection method: clinical testing. Allele origin: germline.
Comment: For these reasons, this variant has been classified as Pathogenic. This premature translational stop signal has been observed in individual(s) with Usher syndrome type II (PMID: 24944099). This variant is not present in population databases (gnomAD no frequency). This sequence change creates a premature translational stop signal (p.Thr3156Leufs*4) in the USH2A gene. It is expected to result in an absent or disrupted protein product. Loss-of-function variants in USH2A are known to be pathogenic (PMID: 10729113, 10909849, 20507924, 25649381).

Literature cited by the submitters: PubMed 24944099 (cited by Labcorp Genetics (formerly Invitae), Labcorp); PubMed 10729113 (cited by Labcorp Genetics (formerly Invitae), Labcorp); PubMed 10909849 (cited by Labcorp Genetics (formerly Invitae), Labcorp); PubMed 20507924 (cited by Labcorp Genetics (formerly Invitae), Labcorp); PubMed 25649381 (cited by Labcorp Genetics (formerly Invitae), Labcorp).

NM_206933.4(USH2A):c.9466del (p.Thr3156fs)

Gene: USH2A (usherin; minus strand). Cytogenetic location: 1q41.
Variant type: Deletion.
Coding change: c.9466del on transcript NM_206933.4 (MANE Select); coding-DNA position 9466, one base deleted (A; older notation c.9466delA).
Protein change: p.Thr3156fs; shifts the reading frame from threonine 3156.
Molecular consequence: frameshift variant.
Genome position (GRCh38, 1-based): chr1:215,817,101, T deleted on the plus strand (A on the coding strand, the reverse complement: USH2A is on the minus strand); the first of 4 consecutive T bases (chr1:215,817,101-215,817,104); deleting any one gives the same sequence. VCF-style (leftmost placement, unchanged base first): chr1-215817100-GT-G. GRCh37 (hg19) VCF-style: chr1-215990442-GT-G.
Other names: short protein forms T3156fs.
Identifiers: ClinVar variation 2734081 (VCV002734081.4), dbSNP rs2464520593, ClinGen allele CA2574001919.
Genomic context (GRCh38, chr1:215,817,100, plus strand): 5'-GGTTTTTGACACCTCACTGCCTTGCAGAGCTCATCACTCTGATCCTGCACTAACTTTTGA[GT>G]TTTAGCGCATGGATACCATGTTTTCCATAGGAGATCATATCCAAGAATGATGCCATTTGG-3'